The following is an entry in ClinVar:

ClinVar aggregate classification (germline): Pathogenic (1 of 4 stars; one submission).

Conditions:
Ataxia-telangiectasia syndrome (AT). Also called: Ataxia-telangiectasia, complementation group D; AT, COMPLEMENTATION GROUP C; ATAXIA-TELANGIECTASIA, COMPLEMENTATION GROUP A; ATAXIA-TELANGIECTASIA, FRESNO VARIANT; Ataxia-telangiectasia; Ataxia-telangiectasia, complementation group E. Identifiers: Orphanet 100, MedGen C0004135, MONDO:0008840, OMIM 208900.

Submission:

Labcorp Genetics (formerly Invitae), Labcorp
Classification: Pathogenic for Ataxia-telangiectasia syndrome. Last evaluated: 2024-08-29. Review status: criteria provided, single submitter. Criteria: Invitae Variant Classification Sherloc (09022015). Collection method: clinical testing. Allele origin: germline.
Comment: This sequence change creates a premature translational stop signal (p.Leu2738Tyrfs*9) in the ATM gene. It is expected to result in an absent or disrupted protein product. Loss-of-function variants in ATM are known to be pathogenic (PMID: 23807571, 25614872). This variant is not present in population databases (gnomAD no frequency). This variant has not been reported in the literature in individuals affected with ATM-related conditions. For these reasons, this variant has been classified as Pathogenic.

Literature cited by the submitters: PubMed 23807571; PubMed 25614872.

NM_000051.4(ATM):c.8212_8213insA (p.Leu2738fs)

Genes: ATM (ATM serine/threonine kinase; plus strand), C11orf65 (chromosome 11 open reading frame 65; minus strand). Cytogenetic location: 11q22.3.
Variant type: Insertion.
Coding change: c.8212_8213insA on transcript NM_000051.4 (MANE Select); coding-DNA positions 8212 to 8213, A inserted.
Protein change: p.Leu2738fs; shifts the reading frame from leucine 2738.
Molecular consequence: frameshift variant. On other transcripts: intron variant (2).
Genome position: GRCh38 VCF-style: chr11-108335905-T-TA. GRCh37 (hg19) VCF-style: chr11-108206632-T-TA.
Other names: c.8212_8213insA, p.Leu2738fs (NM_001351834.2); c.641-26835_641-26834insT (NM_001330368.2); c.695-614_695-613insT (NM_001351110.2); short protein forms L2738fs.
Identifiers: ClinVar variation 3663884 (VCV003663884.2).